The following is an entry in ClinVar:

NM_001254.4(CDC6):c.837T>C (p.Ile279=)

Gene: CDC6 (cell division cycle 6; plus strand). Cytogenetic location: 17q21.2.
Variant type: single nucleotide variant.
Coding change: c.837T>C on transcript NM_001254.4 (MANE Select); coding-DNA position 837, T replaced by C.
Protein change: p.Ile279=; no amino-acid change (isoleucine 279 retained).
Molecular consequence: synonymous variant.
Genome position (GRCh38, 1-based): chr17:40,293,950, T>C. VCF-style: chr17-40293950-T-C. GRCh37 (hg19) VCF-style: chr17-38450202-T-C.
Identifiers: ClinVar variation 4761085 (VCV004761085.1).

ClinVar aggregate classification (germline): Uncertain significance (1 of 4 stars; one submission).

Submission:

Labcorp Genetics (formerly Invitae), Labcorp
Classification: Uncertain significance. Last evaluated: 2025-04-13. Review status: criteria provided, single submitter. Criteria: Invitae Variant Classification Sherloc (09022015). Collection method: clinical testing. Allele origin: germline.
Comment: This sequence change affects codon 279 of the CDC6 mRNA. It is a 'silent' change, meaning that it does not change the encoded amino acid sequence of the CDC6 protein. It affects a nucleotide within the consensus splice site. This variant is not present in population databases (gnomAD no frequency). This variant has not been reported in the literature in individuals affected with CDC6-related conditions. Algorithms developed to predict the effect of sequence changes on RNA splicing suggest that this variant is not likely to affect RNA splicing. In summary, the available evidence is currently insufficient to determine the role of this variant in disease. Therefore, it has been classified as a Variant of Uncertain Significance.